The following is an entry in ClinVar:

ClinVar aggregate classification (germline): Uncertain significance (1 of 4 stars; one submission).

Conditions:
Hyperphosphatasia with impaired intellectual development syndrome 2. Also called: Hyperphosphatasia with intellectual disability syndrome 2; GLYCOSYLPHOSPHATIDYLINOSITOL BIOSYNTHESIS DEFECT 6. Identifiers: Orphanet 247262, MedGen C3553637, MONDO:0013882, OMIM 614749.

Allele frequency attached by ClinVar (database versions not stated): gnomAD exomes below 0.00001.

Submission:

Labcorp Genetics (formerly Invitae), Labcorp
Classification: Uncertain significance for Hyperphosphatasia with impaired intellectual development syndrome 2. Last evaluated: 2021-12-02. Review status: criteria provided, single submitter. Criteria: Invitae Variant Classification Sherloc (09022015). Collection method: clinical testing. Allele origin: germline.
Comment: This sequence change replaces tryptophan, which is neutral and slightly polar, with arginine, which is basic and polar, at codon 409 of the PIGO protein (p.Trp409Arg). This variant is not present in population databases (gnomAD no frequency). This variant has not been reported in the literature in individuals affected with PIGO-related conditions. Algorithms developed to predict the effect of missense changes on protein structure and function output the following: SIFT: "Tolerated"; PolyPhen-2: "Benign"; Align-GVGD: "Class C0". The arginine amino acid residue is found in multiple mammalian species, which suggests that this missense change does not adversely affect protein function. In summary, the available evidence is currently insufficient to determine the role of this variant in disease. Therefore, it has been classified as a Variant of Uncertain Significance.

NM_032634.4(PIGO):c.1225T>C (p.Trp409Arg)

Gene: PIGO (phosphatidylinositol glycan anchor biosynthesis class O; minus strand). Cytogenetic location: 9p13.3.
Variant type: single nucleotide variant.
Coding change: c.1225T>C on transcript NM_032634.4 (MANE Select); coding-DNA position 1225, T replaced by C.
Protein change: p.Trp409Arg; replaces tryptophan 409 with arginine.
Molecular consequence: missense variant.
Genome position (GRCh38, 1-based): chr9:35,092,662, A>G on the plus strand (T>C on the coding strand, the complement: PIGO is on the minus strand). VCF-style: chr9-35092662-A-G. GRCh37 (hg19) VCF-style: chr9-35092659-A-G.
Other names: c.1225T>C, p.Trp409Arg (NM_001201484.2, NM_152850.4); short protein forms W409R.
Identifiers: ClinVar variation 1409082 (VCV001409082.8), dbSNP rs2131077871, ClinGen allele CA373322537.